The following is an entry in ClinVar:

ClinVar aggregate classification (germline): Conflicting classifications of pathogenicity. Review status: criteria provided, conflicting classifications (1 of 4 stars). 2 submissions from 2 submitters: Uncertain significance (1); Likely benign (1). Last evaluated 2025-10-17.

Conditions:
Cardiovascular phenotype. Identifiers: MedGen CN230736.
Progressive familial heart block type IB (PFHB1B). Identifiers: Orphanet 871, MedGen C1970298, MONDO:0011474, OMIM 604559.

Submissions (2):

Labcorp Genetics (formerly Invitae), Labcorp
Classification: Uncertain significance for Progressive familial heart block type IB. Last evaluated: 2025-10-17. Review status: criteria provided, single submitter. Criteria: Invitae Variant Classification Sherloc (09022015). Collection method: clinical testing. Allele origin: germline.
Comment: This sequence change replaces aspartic acid, which is acidic and polar, with glutamic acid, which is acidic and polar, at codon 614 of the TRPM4 protein (p.Asp614Glu). This variant is not present in population databases (gnomAD no frequency). This variant has not been reported in the literature in individuals affected with TRPM4-related conditions. ClinVar contains an entry for this variant (Variation ID: 3607901). An algorithm developed to predict the effect of missense changes on protein structure and function outputs the following: PolyPhen-2: "Benign". The glutamic acid amino acid residue is found in multiple mammalian species, which suggests that this missense change does not adversely affect protein function. In summary, the available evidence is currently insufficient to determine the role of this variant in disease. Therefore, it has been classified as a Variant of Uncertain Significance.

Ambry Genetics
Classification: Likely benign for Cardiovascular phenotype. Last evaluated: 2025-07-12. Review status: criteria provided, single submitter. Criteria: Ambry Variant Classification Scheme 2023. Collection method: clinical testing. Allele origin: germline.

NM_017636.4(TRPM4):c.1842C>A (p.Asp614Glu)

Gene: TRPM4 (transient receptor potential cation channel subfamily M member 4; plus strand). Cytogenetic location: 19q13.33.
Variant type: single nucleotide variant.
Coding change: c.1842C>A on transcript NM_017636.4 (MANE Select); coding-DNA position 1842, C replaced by A.
Protein change: p.Asp614Glu; replaces aspartic acid 614 with glutamic acid.
Molecular consequence: missense variant.
Genome position (GRCh38, 1-based): chr19:49,188,739, C>A. VCF-style: chr19-49188739-C-A. GRCh37 (hg19) VCF-style: chr19-49691996-C-A.
Other names: c.1842C>A (NM_017636.3); c.1842C>A, p.Asp614Glu (NM_001195227.2); c.1497C>A, p.Asp499Glu (NM_001321281.2); c.234C>A, p.Asp78Glu (NM_001321282.2); c.1320C>A, p.Asp440Glu (NM_001321283.2); c.780C>A, p.Asp260Glu (NM_001321285.2); short protein forms D260E, D440E, D499E, D614E, D78E.
Identifiers: ClinVar variation 3607901 (VCV003607901.3).
Genomic context (GRCh38, chr19:49,188,739, plus strand): 5'-GCTGCTCCGGGTGATGGCACGCCTGGAGCCTGACGCTGAGGAGGCAGCACGGAGGAAAGA[C>A]CTGGCGTTCAAGTTTGAGGGGATGGGCGTTGGTGCGTGGGGCACGGTGCCTGGGAGCAGG-3'
Protein context (NP_060106.2, residues 604-624): PDAEEAARRK[Asp614Glu]LAFKFEGMGV